The following is an entry in ClinVar:

ClinVar aggregate classification (germline): Uncertain significance (1 of 4 stars; one submission).

Conditions:
Myopathy, centronuclear, 2 (CNM2). Also called: MYOTUBULAR MYOPATHY, AUTOSOMAL RECESSIVE. Identifiers: Orphanet 169186, MedGen CN031787, MONDO:0009709, OMIM 255200.

Allele frequency attached by ClinVar (database versions not stated): ExAC 0.00003; gnomAD exomes 0.00004; TOPMed 0.00005; gnomAD 0.00001.
gnomAD v4.1: 10 of 1,613,774 alleles (0.00062%); highest among the groups gnomAD compares: East Asian, 0.022%; no homozygotes.

Submission:

Labcorp Genetics (formerly Invitae), Labcorp
Classification: Uncertain significance for Myopathy, centronuclear, 2. Last evaluated: 2021-09-01. Review status: criteria provided, single submitter. Criteria: Invitae Variant Classification Sherloc (09022015). Collection method: clinical testing. Allele origin: germline.
Comment: This sequence change replaces serine with alanine at codon 414 of the BIN1 protein (p.Ser414Ala). The serine residue is moderately conserved and there is a moderate physicochemical difference between serine and alanine. This variant is present in population databases (rs777951748, ExAC 0.05%). This variant has not been reported in the literature in individuals affected with BIN1-related conditions. Algorithms developed to predict the effect of missense changes on protein structure and function are either unavailable or do not agree on the potential impact of this missense change (SIFT: "Deleterious"; PolyPhen-2: "Benign"; Align-GVGD: "Class C0"). In summary, the available evidence is currently insufficient to determine the role of this variant in disease. Therefore, it has been classified as a Variant of Uncertain Significance.

NM_139343.3(BIN1):c.1240T>G (p.Ser414Ala)

Gene: BIN1 (bridging integrator 1; minus strand). Cytogenetic location: 2q14.3.
Variant type: single nucleotide variant.
Coding change: c.1240T>G on transcript NM_139343.3 (MANE Select); coding-DNA position 1240, T replaced by G.
Protein change: p.Ser414Ala; replaces serine 414 with alanine.
Molecular consequence: missense variant. On other transcripts: intron variant (12).
Genome position (GRCh38, 1-based): chr2:127,053,445, A>C on the plus strand (T>G on the coding strand, the complement: BIN1 is on the minus strand). VCF-style: chr2-127053445-A-C. GRCh37 (hg19) VCF-style: chr2-127811021-A-C.
Other names: c.1147T>G, p.Ser383Ala (NM_001320641.2); c.1159T>G, p.Ser387Ala (NM_001320642.1); c.1111T>G, p.Ser371Ala (NM_139344.3); c.838-2533T>G (NM_001320634.1); c.910-2533T>G (NM_139351.3); c.910-2202T>G (NM_139350.3); c.910-1083T>G (NM_139349.3); c.1039-2202T>G (NM_139348.3); and 7 more; short protein forms S371A, S414A, S383A, S387A.
Identifiers: ClinVar variation 944082 (VCV000944082.6), dbSNP rs777951748, ClinGen allele CA1857138.
Genomic context (GRCh38, chr2:127,053,445, plus strand): 5'-CCCCAGGGGCTGGACAAAGAGCAGACGTGCAGCTTACCTCCCAGAGGTCCCATGGAATTG[A>C]CTGAGCGCAGCAGTGAGGGCGAGAAGGACAGTTAGCACAGAGGTTAGAGACAGGGCGGCA-3'
Protein context (NP_647593.1, residues 404-424): PVKAPTPSGQ[Ser414Ala]IPWDLWEPTE